The following is an entry in ClinVar:

ClinVar aggregate classification (germline): Likely benign (1 of 4 stars; one submission).

gnomAD v4.1: 19 of 1,613,658 alleles (0.0012%); highest among the groups gnomAD compares: Non-Finnish European, 0.0015%; no homozygotes.

Submission:

Mayo Clinic Laboratories, Mayo Clinic
Classification: Likely benign. Last evaluated: 2025-08-07. Review status: criteria provided, single submitter. Criteria: ACMG Guidelines, 2015. Collection method: clinical testing. Allele origin: germline. Observed: 1 variant allele.
Comment: BP4, BP7

NM_002609.4(PDGFRB):c.2055C>A (p.Arg685=)

Gene: PDGFRB (platelet derived growth factor receptor beta; minus strand). Cytogenetic location: 5q32.
Variant type: single nucleotide variant.
Coding change: c.2055C>A on transcript NM_002609.4 (MANE Select); coding-DNA position 2055, C replaced by A.
Protein change: p.Arg685=; no amino-acid change (arginine 685 retained).
Molecular consequence: synonymous variant.
Genome position (GRCh38, 1-based): chr5:150,123,170, G>T on the plus strand (C>A on the coding strand, the complement: PDGFRB is on the minus strand). VCF-style: chr5-150123170-G-T. GRCh37 (hg19) VCF-style: chr5-149502733-G-T.
Other names: p.Arg685=; c.1863C>A, p.Arg621= (NM_001355016.2); c.1572C>A, p.Arg524= (NM_001355017.2).
Identifiers: ClinVar variation 4684869 (VCV004684869.1).